The following is an entry in ClinVar:

NM_004655.4(AXIN2):c.490C>T (p.Gln164Ter)

Gene: AXIN2 (axin 2; minus strand). Cytogenetic location: 17q24.1.
Variant type: single nucleotide variant.
Coding change: c.490C>T on transcript NM_004655.4 (MANE Select); coding-DNA position 490, C replaced by T.
Protein change: p.Gln164Ter; replaces glutamine 164 with a stop codon.
Molecular consequence: nonsense.
Genome position (GRCh38, 1-based): chr17:65,558,131, G>A on the plus strand (C>T on the coding strand, the complement: AXIN2 is on the minus strand). VCF-style: chr17-65558131-G-A. GRCh37 (hg19) VCF-style: chr17-63554249-G-A.
Other names: c.490C>T, p.Gln164Ter (NM_001363813.1); short protein forms Q164*.
Identifiers: ClinVar variation 1744031 (VCV001744031.2), dbSNP rs2144585275, ClinGen allele CA400681196.

ClinVar aggregate classification (germline): Pathogenic (1 of 4 stars; one submission).

Conditions:
Hereditary cancer-predisposing syndrome. Also called: Hereditary Cancer Syndrome; Neoplastic Syndromes, Hereditary; Tumor predisposition; Hereditary neoplastic syndrome. Identifiers: Orphanet 140162, MedGen C0027672, MeSH D009386, MONDO:0015356.

Submission:

Ambry Genetics
Classification: Pathogenic for Hereditary cancer-predisposing syndrome. Last evaluated: 2022-03-25. Review status: criteria provided, single submitter. Criteria: Ambry Variant Classification Scheme 2023. Collection method: clinical testing. Allele origin: germline.
Comment: The p.Q164* pathogenic mutation (also known as c.490C>T), located in coding exon 1 of the AXIN2 gene, results from a C to T substitution at nucleotide position 490. This changes the amino acid from a glutamine to a stop codon within coding exon 1. This variant is considered to be rare based on population cohorts in the Genome Aggregation Database (gnomAD). This alteration is expected to result in loss of function by premature protein truncation or nonsense-mediated mRNA decay. As such, this alteration is interpreted as a disease-causing mutation.